The following is an entry in ClinVar:

NM_003482.4(KMT2D):c.3802G>A (p.Asp1268Asn)

Genes: KMT2D (lysine methyltransferase 2D; minus strand), LOC126861520 (CDK7 strongly-dependent group 2 enhancer GRCh37_chr12:49442744-49443943; plus strand). Cytogenetic location: 12q13.12.
Variant type: single nucleotide variant.
Coding change: c.3802G>A on transcript NM_003482.4 (MANE Select); coding-DNA position 3802, G replaced by A.
Protein change: p.Asp1268Asn; replaces aspartic acid 1268 with asparagine.
Molecular consequence: missense variant.
Genome position (GRCh38, 1-based): chr12:49,049,786, C>T on the plus strand (G>A on the coding strand, the complement: KMT2D is on the minus strand). VCF-style: chr12-49049786-C-T. GRCh37 (hg19) VCF-style: chr12-49443569-C-T.
Other names: short protein forms D1268N.
Identifiers: ClinVar variation 3680024 (VCV003680024.2).

ClinVar aggregate classification (germline): Uncertain significance (1 of 4 stars; one submission).

Conditions:
Kabuki syndrome. Also called: NIIKAWA-KUROKI SYNDROME; Kabuki make-up syndrome. Identifiers: Orphanet 2322, MedGen C0796004, MONDO:0016512.

Submission:

Labcorp Genetics (formerly Invitae), Labcorp
Classification: Uncertain significance for Kabuki syndrome. Last evaluated: 2024-06-26. Review status: criteria provided, single submitter. Criteria: Invitae Variant Classification Sherloc (09022015). Collection method: clinical testing. Allele origin: germline.
Comment: This sequence change replaces aspartic acid, which is acidic and polar, with asparagine, which is neutral and polar, at codon 1268 of the KMT2D protein (p.Asp1268Asn). This variant is not present in population databases (gnomAD no frequency). This variant has not been reported in the literature in individuals affected with KMT2D-related conditions. Advanced modeling of protein sequence and biophysical properties (such as structural, functional, and spatial information, amino acid conservation, physicochemical variation, residue mobility, and thermodynamic stability) performed at Invitae indicates that this missense variant is not expected to disrupt KMT2D protein function with a negative predictive value of 95%. In summary, the available evidence is currently insufficient to determine the role of this variant in disease. Therefore, it has been classified as a Variant of Uncertain Significance.